The following is an entry in ClinVar:

ClinVar aggregate classification (germline): Likely benign (1 of 4 stars; one submission).

Conditions:
SEMA3C-related disorder. Also called: SEMA3C-related condition.

gnomAD v4.1: 15 of 1,613,340 alleles (0.00093%); highest among the groups gnomAD compares: Middle Eastern, 0.082%; no homozygotes.

Submission:

PreventionGenetics, part of Exact Sciences
Classification: Likely benign for SEMA3C-related condition. Last evaluated: 2026-09-11. Review status: criteria provided, single submitter. Criteria: ACMG Guidelines, 2015. Collection method: clinical testing. Allele origin: germline.
Comment: This variant is classified as likely benign based on ACMG/AMP sequence variant interpretation guidelines (Richards et al. 2015 PMID: 25741868, with internal and published modifications).

NM_006379.5(SEMA3C):c.12G>A (p.Arg4=)

Gene: SEMA3C (semaphorin 3C; minus strand). Cytogenetic location: 7q21.11.
Variant type: single nucleotide variant.
Coding change: c.12G>A on transcript NM_006379.5 (MANE Select); coding-DNA position 12, G replaced by A.
Protein change: p.Arg4=; no amino-acid change (arginine 4 retained).
Molecular consequence: synonymous variant. On other transcripts: 5 prime UTR variant (1).
Genome position (GRCh38, 1-based): chr7:80,916,770, C>T on the plus strand (G>A on the coding strand, the complement: SEMA3C is on the minus strand). VCF-style: chr7-80916770-C-T. GRCh37 (hg19) VCF-style: chr7-80546086-C-T.
Other names: c.66G>A, p.Arg22= (NM_001350120.2); c.-251G>A (NM_001350121.2).
Identifiers: ClinVar variation 4977453 (VCV004977453.1).
Genomic context (GRCh38, chr7:80,916,770, plus strand): 5'-CTGGGAAGATCCTTTCACACAGATAGAACAAATAAATACTCCAACCAACACGCAAATTGT[C>T]CGGAATGCCATTTCTTCAGATATGCAAGTTAATATCCAAGGGAAAATACCTTTAAGAGAG-3'
Protein context (NP_006370.1, residues 1-14): MAF[Arg4=]TICVLVGVFI